The following is an entry in ClinVar:

ClinVar aggregate classification (germline): Uncertain significance. Review status: criteria provided, multiple submitters, no conflicts (2 of 4 stars). 2 submissions from 2 submitters: Uncertain significance (2). Last evaluated 2025-10-07.

Conditions:
Inborn genetic diseases. Identifiers: MedGen C0950123, MeSH D030342.

Allele frequency attached by ClinVar (database versions not stated): gnomAD exomes 0.00001.

Submissions (2):

Ambry Genetics
Classification: Uncertain significance for Inborn genetic diseases. Last evaluated: 2025-10-07. Review status: criteria provided, single submitter. Criteria: Ambry Variant Classification Scheme 2023. Collection method: clinical testing. Allele origin: germline.

Labcorp Genetics (formerly Invitae), Labcorp
Classification: Uncertain significance. Last evaluated: 2023-07-10. Review status: criteria provided, single submitter. Criteria: Invitae Variant Classification Sherloc (09022015). Collection method: clinical testing. Allele origin: germline.
Comment: This variant is present in population databases (no rsID available, gnomAD 0.0009%). In summary, the available evidence is currently insufficient to determine the role of this variant in disease. Therefore, it has been classified as a Variant of Uncertain Significance. Advanced modeling of protein sequence and biophysical properties (such as structural, functional, and spatial information, amino acid conservation, physicochemical variation, residue mobility, and thermodynamic stability) performed at Invitae indicates that this missense variant is not expected to disrupt PCGF2 protein function. This variant has not been reported in the literature in individuals affected with PCGF2-related conditions. This sequence change replaces glutamic acid, which is acidic and polar, with aspartic acid, which is acidic and polar, at codon 136 of the PCGF2 protein (p.Glu136Asp).

NM_007144.3(PCGF2):c.408A>C (p.Glu136Asp)

Gene: PCGF2 (polycomb group ring finger 2; minus strand). Cytogenetic location: 17q12.
Variant type: single nucleotide variant.
Coding change: c.408A>C on transcript NM_007144.3 (MANE Select); coding-DNA position 408, A replaced by C.
Protein change: p.Glu136Asp; replaces glutamic acid 136 with aspartic acid.
Molecular consequence: missense variant.
Genome position (GRCh38, 1-based): chr17:38,738,770, T>G on the plus strand (A>C on the coding strand, the complement: PCGF2 is on the minus strand). VCF-style: chr17-38738770-T-G. GRCh37 (hg19) VCF-style: chr17-36895023-T-G.
Other names: c.408A>C (NM_007144.2); c.408A>C, p.Glu136Asp (NM_001369614.1, NM_001369615.1); short protein forms E136D.
Identifiers: ClinVar variation 2976978 (VCV002976978.4), dbSNP rs1251984310, ClinGen allele CA398821910.